The following is an entry in ClinVar:

ClinVar aggregate classification (germline): Uncertain significance. Review status: criteria provided, single submitter (1 of 4 stars). 2 submissions from 2 submitters: Uncertain significance (1). 1 of the submissions does not count toward it. Last evaluated 2025-12-22.

Conditions:
Immunodeficiency, common variable, 10. Also called: DEFICIT IN ANTERIOR PITUITARY FUNCTION AND VARIABLE IMMUNODEFICIENCY; IMMUNODEFICIENCY, COMMON VARIABLE, WITH CENTRAL ADRENAL INSUFFICIENCY. Identifiers: MedGen C3809991, MONDO:0014260, OMIM 615577.
NFKB2-related disorder. Also called: NFKB2-related condition.

Allele frequency attached by ClinVar (database versions not stated): gnomAD 0.00004 and 0.00005; gnomAD exomes 0.00006 and 0.00007; ExAC 0.00007; ESP Exome Variant Server 0.00008; TOPMed 0.00008; 1000 Genomes Project 30x 0.00016; 1000 Genomes Project 0.00020.
gnomAD v4.1: 106 of 1,612,698 alleles (0.0066%); highest among the groups gnomAD compares: Non-Finnish European, 0.0086%; no homozygotes.

Submissions (2):

Labcorp Genetics (formerly Invitae), Labcorp
Classification: Uncertain significance for Immunodeficiency, common variable, 10. Last evaluated: 2025-12-22. Review status: criteria provided, single submitter. Criteria: Invitae Variant Classification Sherloc (09022015). Collection method: clinical testing. Allele origin: germline.
Comment: This sequence change replaces tyrosine, which is neutral and polar, with cysteine, which is neutral and slightly polar, at codon 5 of the NFKB2 protein (p.Tyr5Cys). This variant is present in population databases (rs200361192, gnomAD 0.01%). This variant has not been reported in the literature in individuals affected with NFKB2-related conditions. ClinVar contains an entry for this variant (Variation ID: 660112). An algorithm developed to predict the effect of missense changes on protein structure and function (PolyPhen-2) suggests that this variant is likely to be disruptive. In summary, the available evidence is currently insufficient to determine the role of this variant in disease. Therefore, it has been classified as a Variant of Uncertain Significance.

PreventionGenetics, part of Exact Sciences
Classification: Uncertain significance for NFKB2-related condition. Last evaluated: 2024-09-20. Review status: no assertion criteria provided. Collection method: clinical testing. Allele origin: germline. Not counted in ClinVar's aggregate classification.
Comment: The NFKB2 c.14A>G variant is predicted to result in the amino acid substitution p.Tyr5Cys. To our knowledge, this variant has not been reported in the literature. This variant is reported in 0.013% of alleles in individuals of European (Non-Finnish) descent in gnomAD. Although we suspect that this variant may be benign, at this time, the clinical significance of this variant is uncertain due to the absence of conclusive functional and genetic evidence.

NM_001322934.2(NFKB2):c.14A>G (p.Tyr5Cys)

Gene: NFKB2 (nuclear factor kappa B subunit 2; plus strand). Cytogenetic location: 10q24.32.
Variant type: single nucleotide variant.
Coding change: c.14A>G on transcript NM_001322934.2 (MANE Select); coding-DNA position 14, A replaced by G.
Protein change: p.Tyr5Cys; replaces tyrosine 5 with cysteine.
Molecular consequence: missense variant.
Genome position (GRCh38, 1-based): chr10:102,395,973, A>G. VCF-style: chr10-102395973-A-G. GRCh37 (hg19) VCF-style: chr10-104155730-A-G.
Other names: c.14A>G, p.Tyr5Cys (NM_001077494.3, NM_001261403.3, NM_001288724.1 and 3 more transcripts); short protein forms Y5C.
Identifiers: ClinVar variation 660112 (VCV000660112.12), dbSNP rs200361192, ClinGen allele CA5664401.